The following is an entry in ClinVar:

NM_031935.3(HMCN1):c.16542-7T>C

Gene: HMCN1 (hemicentin 1; plus strand). Cytogenetic location: 1q31.1.
Variant type: single nucleotide variant.
Coding change: c.16542-7T>C on transcript NM_031935.3 (MANE Select); 7 bases into the intron before coding-DNA position 16542, T replaced by C.
Molecular consequence: intron variant.
Genome position (GRCh38, 1-based): chr1:186,189,505, T>C. VCF-style: chr1-186189505-T-C. GRCh37 (hg19) VCF-style: chr1-186158637-T-C.
Identifiers: ClinVar variation 4993168 (VCV004993168.1).
Genomic context (GRCh38, chr1:186,189,505, plus strand): 5'-TCACCTATATCATGCCTCCTCCTACTTCCAGATAACTATGTGTATTTGATATGTTTGTTG[T>C]CCTTAGGTTCTGCCTCAAGAACTGTCCACCCAATGATTTGGAATGTGCCTTGAGCCCATA-3'

ClinVar aggregate classification (germline): Likely benign (1 of 4 stars; one submission).

Conditions:
HMCN1-related disorder. Also called: HMCN1-related condition.

Submission:

PreventionGenetics, part of Exact Sciences
Classification: Likely benign for HMCN1-related condition. Last evaluated: 2026-08-04. Review status: criteria provided, single submitter. Criteria: ACMG Guidelines, 2015. Collection method: clinical testing. Allele origin: germline.
Comment: This variant is classified as likely benign based on ACMG/AMP sequence variant interpretation guidelines (Richards et al. 2015 PMID: 25741868, with internal and published modifications).